The following is an entry in ClinVar:

NM_213599.3(ANO5):c.616A>G (p.Thr206Ala)

Gene: ANO5 (anoctamin 5; plus strand). Cytogenetic location: 11p14.3.
Variant type: single nucleotide variant.
Coding change: c.616A>G on transcript NM_213599.3 (MANE Select); coding-DNA position 616, A replaced by G.
Protein change: p.Thr206Ala; replaces threonine 206 with alanine.
Molecular consequence: missense variant.
Genome position (GRCh38, 1-based): chr11:22,227,554, A>G. VCF-style: chr11-22227554-A-G. GRCh37 (hg19) VCF-style: chr11-22249100-A-G.
Other names: NM_213599.3(ANO5):c.616A>G; p.Thr206Ala; c.613A>G, p.Thr205Ala (NM_001142649.2); short protein forms T206A, T205A.
Identifiers: ClinVar variation 128391 (VCV000128391.60), dbSNP rs78266558, ClinGen allele CA151833.

ClinVar aggregate classification (germline): Benign. Review status: reviewed by expert panel (3 of 4 stars). 17 submissions from 15 submitters: Benign (1). 16 of the submissions do not count toward it. Last evaluated 2025-01-07.

Conditions:
Autosomal recessive limb-girdle muscular dystrophy type 2L (LGMDR12). Also called: MUSCULAR DYSTROPHY, LIMB-GIRDLE, AUTOSOMAL RECESSIVE 12; Limb-Girdle Muscular Dystrophy R12 Anoctamin-5-Related (LGMD-R12); Limb-girdle muscular dystrophy, type 2L. Identifiers: Orphanet 206549, MedGen C1969785, MONDO:0012652, OMIM 611307.
Gnathodiaphyseal dysplasia (GDD). Also called: OSTEOGENESIS IMPERFECTA WITH UNUSUAL SKELETAL LESIONS; GNATHODIAPHYSEAL SCLEROSIS. Identifiers: Orphanet 53697, MedGen C1833736, MONDO:0008151, OMIM 166260.
ANO5-related disorder. Also called: ANO5-related disorders; ANO5-related condition. Identifiers: MedGen CN239193.
ANO5-Related Muscle Diseases. Identifiers: MedGen CN180644.
Miyoshi muscular dystrophy 3 (MMD3). Also called: Miyoshi myopathy 3; Miyoshi Muscular Dystrophy 3 (MMD3). Identifiers: Orphanet 399096, MedGen C2750076, MONDO:0013222, OMIM 613319.
Autosomal recessive limb-girdle muscular dystrophy. Identifiers: Orphanet 102015, MedGen C2931907, MONDO:0015152.

Allele frequency attached by ClinVar (database versions not stated): gnomAD exomes 0.00078 and 0.00224; ExAC 0.00295; ESP Exome Variant Server 0.00861; gnomAD 0.00877 and 0.00922; TOPMed 0.00961; 1000 Genomes Project 0.01438; 1000 Genomes Project 30x 0.01468.
gnomAD v4.1: 2,565 of 1,613,462 alleles (0.16%); highest among the groups gnomAD compares: African/African-American, 2.9%; 43 homozygotes.

Submissions (17):

ClinGen Limb Girdle Muscular Dystrophy Variant Curation Expert Panel, ClinGen
Classification: Benign for Autosomal recessive limb-girdle muscular dystrophy. Last evaluated: 2025-01-07. Review status: reviewed by expert panel. Criteria: ClinGen LGMD VCEP ACMG Specifications ANO5 V1.0.0. Collection method: curation. Allele origin: germline. Inheritance: Autosomal recessive inheritance.
Comment: The NM_213599.3: c.616A>G variant in ANO5 is a missense variant predicted to cause substitution of threonine by alanine at amino acid 206 (p.Thr206Ala). The filtering allele frequency of this variant is 0.02707 (the lower threshold of the 95% CI of 562/250584 African/African American chromosomes in gnomAD v2.1.1), which is higher than the ClinGen LGMD VCEP threshold (>0.003) for BA1 and therefore meets this criterion (BA1). At least one patient who displayed progressive weakness and a possible congenital myopathy has been reported to have this variant (PMID: 25891276); however, PP4 is not applied when BA1 is met. In summary, this variant meets the criteria to be classified as Benign for autosomal recessive limb girdle muscular dystrophy based on the ACMG/AMP criteria applied, as specified by the ClinGen LGMD VCEP (LGMD VCEP specifications version 1.0.0; 01/07/2025): BA1.

CeGaT Center for Human Genetics Tuebingen
Classification: Benign. Last evaluated: 2026-07-01. Review status: criteria provided, single submitter. Criteria: CeGaT Center For Human Genetics Tuebingen Variant Classification Criteria Version 2. Collection method: clinical testing. Allele origin: germline. Affected: yes. Observed: 6 variant alleles. Not counted in ClinVar's aggregate classification.
Comment: ANO5: BP4, BS1, BS2

Labcorp Genetics (formerly Invitae), Labcorp
Classification: Benign for Autosomal recessive limb-girdle muscular dystrophy type 2L; Gnathodiaphyseal dysplasia. Last evaluated: 2026-01-28. Review status: criteria provided, single submitter. Criteria: Invitae Variant Classification Sherloc (09022015). Collection method: clinical testing. Allele origin: germline. Not counted in ClinVar's aggregate classification.

ARUP Laboratories, Molecular Genetics and Genomics, ARUP Laboratories
Classification: Benign. Last evaluated: 2025-04-28. Review status: criteria provided, single submitter. Criteria: ARUP Molecular Germline Variant Investigation Process 2024. Collection method: clinical testing. Allele origin: germline. Not counted in ClinVar's aggregate classification.

Mayo Clinic Laboratories, Mayo Clinic
Classification: Benign. Last evaluated: 2024-10-14. Review status: criteria provided, single submitter. Criteria: ACMG Guidelines, 2015. Collection method: clinical testing. Allele origin: germline. Observed: 14 variant alleles. Not counted in ClinVar's aggregate classification.
Comment: BA1, BS2, BP4

Fulgent Genetics
Classification: Likely benign for Gnathodiaphyseal dysplasia; Autosomal recessive limb-girdle muscular dystrophy type 2L; Miyoshi muscular dystrophy 3. Last evaluated: 2022-02-28. Review status: criteria provided, single submitter. Criteria: ACMG Guidelines, 2015. Collection method: clinical testing. Allele origin: unknown. Not counted in ClinVar's aggregate classification.

Genome-Nilou Lab
Classification: Benign for Gnathodiaphyseal dysplasia. Last evaluated: 2021-12-05. Review status: criteria provided, single submitter. Criteria: ACMG Guidelines, 2015. Collection method: clinical testing. Allele origin: germline. Affected: no. Not counted in ClinVar's aggregate classification.

Genome-Nilou Lab
Classification: Benign for Miyoshi muscular dystrophy 3. Last evaluated: 2021-12-05. Review status: criteria provided, single submitter. Criteria: ACMG Guidelines, 2015. Collection method: clinical testing. Allele origin: germline. Affected: no. Not counted in ClinVar's aggregate classification.

Genome-Nilou Lab
Classification: Benign for Autosomal recessive limb-girdle muscular dystrophy type 2L. Last evaluated: 2021-12-05. Review status: criteria provided, single submitter. Criteria: ACMG Guidelines, 2015. Collection method: clinical testing. Allele origin: germline. Affected: no. Not counted in ClinVar's aggregate classification.

Athena Diagnostics
Classification: Benign. Last evaluated: 2020-01-22. Review status: criteria provided, single submitter. Criteria: Athena Diagnostics Criteria. Collection method: clinical testing. Allele origin: unknown. Not counted in ClinVar's aggregate classification.

Mendelics
Classification: Benign for Gnathodiaphyseal dysplasia. Last evaluated: 2019-05-28. Review status: criteria provided, single submitter. Criteria: Mendelics Assertion Criteria 2017. Collection method: clinical testing. Allele origin: unknown. Not counted in ClinVar's aggregate classification.

Illumina Laboratory Services, Illumina
Classification: Benign for ANO5-Related Muscle Diseases. Last evaluated: 2017-04-28. Review status: criteria provided, single submitter. Criteria: ICSL Variant Classification Criteria 13 December 2019. Collection method: clinical testing. Allele origin: germline. Not counted in ClinVar's aggregate classification.
Comment: This variant was observed as part of a predisposition screen in an ostensibly healthy population. A literature search was performed for the gene, cDNA change, and amino acid change (where applicable). No publications were found based on this search. Allele frequency data from public databases was too high to be consistent with this variant causing disease. Therefore, this variant is classified as benign.

GeneDx
Classification: Benign. Last evaluated: 2016-05-06. Review status: criteria provided, single submitter. Criteria: GeneDx Variant Classification (06012015). Collection method: clinical testing. Allele origin: germline. Affected: yes. Not counted in ClinVar's aggregate classification.
Comment: This variant is considered likely benign or benign based on one or more of the following criteria: it is a conservative change, it occurs at a poorly conserved position in the protein, it is predicted to be benign by multiple in silico algorithms, and/or has population frequency not consistent with disease.

Eurofins Ntd Llc (ga)
Classification: Benign. Last evaluated: 2016-01-25. Review status: criteria provided, single submitter. Criteria: EGL Classification Definitions 2015. Collection method: clinical testing. Allele origin: germline. Observed: 1 variant allele, 1 heterozygote. Not counted in ClinVar's aggregate classification.

Breakthrough Genomics
Classification: Benign. Review status: criteria provided, single submitter. Criteria: ACMG Guidelines, 2015. Collection method: not provided. Allele origin: germline. Inheritance: Autosomal recessive inheritance. Affected: yes. Not counted in ClinVar's aggregate classification.

PreventionGenetics, part of Exact Sciences
Classification: Benign for ANO5-related condition. Last evaluated: 2020-10-12. Review status: no assertion criteria provided. Collection method: clinical testing. Allele origin: germline. Not counted in ClinVar's aggregate classification.
Comment: This variant is classified as benign based on ACMG/AMP sequence variant interpretation guidelines (Richards et al. 2015 PMID: 25741868, with internal and published modifications).

Genetic Services Laboratory, University of Chicago
Classification: Likely benign for AllHighlyPenetrant. Review status: no assertion criteria provided. Collection method: clinical testing. Allele origin: germline. Inheritance: Autosomal recessive inheritance. Not counted in ClinVar's aggregate classification.
Comment: Likely benign based on allele frequency in 1000 Genomes Project or ESP global frequency and its presence in a patient with a rare or unrelated disease phenotype. NOT Sanger confirmed.

Literature cited by the submitters: PubMed 25891276 (cited by Mayo Clinic Laboratories, Mayo Clinic and Athena Diagnostics).